The following is an entry in ClinVar:

ClinVar aggregate classification (germline): Pathogenic/Likely pathogenic. Review status: criteria provided, multiple submitters, no conflicts (2 of 4 stars). 2 submissions from 2 submitters: Pathogenic (1); Likely pathogenic (1). Last evaluated 2026-09-01.

Conditions:
Dilated cardiomyopathy 1I (CMD1I). Identifiers: Orphanet 154, MedGen C1858154, MONDO:0011482, OMIM 604765.
Autosomal recessive limb-girdle muscular dystrophy type 2J (LGMDR10). Also called: Limb-girdle muscular dystrophy, type 2J; MUSCULAR DYSTROPHY, LIMB-GIRDLE, AUTOSOMAL RECESSIVE 10. Identifiers: Orphanet 140922, MedGen C1837342, MONDO:0012127, OMIM 608807.
Dilated cardiomyopathy 1G (CMD1G). Identifiers: Orphanet 154, MedGen C1858763, MONDO:0011400, OMIM 604145.

Submissions (2):

Clinical Genetics Laboratory, Skane University Hospital Lund
Classification: Pathogenic for Dilated cardiomyopathy 1I. Last evaluated: 2026-09-01. Review status: criteria provided, single submitter. Criteria: ACMG Guidelines, 2015. Collection method: clinical testing. Allele origin: germline. Affected: yes.
Comment: The TTN (NM_001267550.2) c.86597G>A, p.(Trp28866*) variant is a nucleotide substitution in exon 326 of 363 that introduces a premature termination codon, predicted to result in a truncated protein or loss of protein expression from the affected allele. The variant is located within the A-band region of titin, where truncating variants are significantly enriched in individuals with dilated cardiomyopathy (e.g., PMID: 25589632). The variant has not been observed in population databases and has previously been reported as likely pathogenic in ClinVar (Accession: VCV002134639.5). Based on the available evidence, the variant is classified as pathogenic according to the ACMG/AMP criteria, applying the following criteria: PVS1, PS4_Moderate, and PM2.

Labcorp Genetics (formerly Invitae), Labcorp
Classification: Likely pathogenic for Dilated cardiomyopathy 1G; Autosomal recessive limb-girdle muscular dystrophy type 2J. Last evaluated: 2022-05-06. Review status: criteria provided, single submitter. Criteria: Invitae Variant Classification Sherloc (09022015). Collection method: clinical testing. Allele origin: germline.
Comment: In summary, the currently available evidence indicates that the variant is pathogenic, but additional data are needed to prove that conclusively. Therefore, this variant has been classified as Likely Pathogenic. This variant is located in the A band of TTN (PMID: 25589632). Truncating variants in this region are significantly overrepresented in patients affected with dilated cardiomyopathy (PMID: 25589632). Truncating variants in this region have also been reported in individuals affected with autosomal recessive centronuclear myopathy (PMID: 23975875). This variant has not been reported in the literature in individuals affected with TTN-related conditions. This variant is not present in population databases (gnomAD no frequency). This sequence change creates a premature translational stop signal (p.Trp28866*) in the TTN gene. While this is not anticipated to result in nonsense mediated decay, it is expected to create a truncated TTN protein.

Literature cited by the submitters: PubMed 25589632 (cited by Clinical Genetics Laboratory, Skane University Hospital Lund and Labcorp Genetics (formerly Invitae), Labcorp); PubMed 23975875 (cited by Labcorp Genetics (formerly Invitae), Labcorp).

NM_001267550.2(TTN):c.86597G>A (p.Trp28866Ter)

Genes: TTN (titin; minus strand), TTN-AS1 (TTN antisense RNA 1; plus strand). Cytogenetic location: 2q31.2.
Variant type: single nucleotide variant.
Coding change: c.86597G>A on transcript NM_001267550.2 (MANE Select); coding-DNA position 86597, G replaced by A.
Protein change: p.Trp28866Ter; replaces tryptophan 28866 with a stop codon.
Molecular consequence: nonsense.
Genome position (GRCh38, 1-based): chr2:178,559,535, C>T on the plus strand (G>A on the coding strand, the complement: TTN is on the minus strand). VCF-style: chr2-178559535-C-T. GRCh37 (hg19) VCF-style: chr2-179424262-C-T.
Other names: c.81674G>A, p.Trp27225Ter (NM_001256850.1); c.59402G>A, p.Trp19801Ter (NM_003319.4); c.78893G>A, p.Trp26298Ter (NM_133378.4); c.59777G>A, p.Trp19926Ter (NM_133432.3); c.59978G>A, p.Trp19993Ter (NM_133437.4); short protein forms W19801*, W19926*, W27225*, W28866*, W19993*, W26298*.
Identifiers: ClinVar variation 2134639 (VCV002134639.6), dbSNP rs779438420, ClinGen allele CA349542723.